The following is an entry in ClinVar:

NM_020435.4(GJC2):c.914_947dup (p.Pro317fs)

Gene: GJC2 (gap junction protein gamma 2; plus strand). Cytogenetic location: 1q42.13.
Variant type: Duplication.
Coding change: c.914_947dup on transcript NM_020435.4 (MANE Select); coding-DNA positions 914 to 947, 34 bases duplicated.
Protein change: p.Pro317fs; shifts the reading frame from proline 317.
Molecular consequence: frameshift variant.
Genome position (GRCh38, 1-based): chr1:228,158,672-228,158,705, 34 bases duplicated; duplicating any 34 consecutive bases within chr1:228,158,659-228,158,705 gives the same sequence; the c. name uses the placement nearest the transcript's 3' end. GRCh37 (hg19): chr1:228,346,373-228,346,406.
Other names: c.914_947dup34 (NM_020435.4); short protein forms P317fs.
Identifiers: ClinVar variation 4848031 (VCV004848031.1).

ClinVar aggregate classification (germline): Pathogenic (1 of 4 stars; one submission).

Conditions:
Leukodystrophy, hypomyelinating, 2. Also called: PELIZAEUS-MERZBACHER-LIKE DISEASE, 1. Identifiers: Orphanet 280270, Orphanet 280282, MedGen C1837355, MONDO:0012125, OMIM 608804.

Submission:

Women's Health and Genetics/Laboratory Corporation of America, LabCorp
Classification: Pathogenic for Leukodystrophy, hypomyelinating, 2. Last evaluated: 2026-02-04. Review status: criteria provided, single submitter. Criteria: LabCorp Variant Classification Summary - May 2015. Collection method: clinical testing. Allele origin: germline.
Comment: Variant summary: GJC2 c.914_947dup34 (p.Pro317GlyfsX42) results in a premature termination codon in the last exon, predicted to cause a truncation of the encoded protein. However, nonsense mediated decay is not expected to occur. The variant was absent in 175672 control chromosomes. To our knowledge, no occurrence of c.914_947dup34 in individuals affected with GJC2-related conditions and no experimental evidence demonstrating its impact on protein function have been reported. However, several downstream frameshift variants have been classified as pathogenic by our own lab. No submitters have cited clinical-significance assessments for this variant to ClinVar. Based on the evidence outlined above, the variant was classified as pathogenic.